The following is an entry in ClinVar:

ClinVar aggregate classification (germline): Uncertain significance (1 of 4 stars; one submission).

Conditions:
Autosomal recessive limb-girdle muscular dystrophy type 2P. Also called: MUSCULAR DYSTROPHY-DYSTROGLYCANOPATHY, LIMB-GIRDLE, DAG1-RELATED; MUSCULAR DYSTROPHY, LIMB-GIRDLE, TYPE 2P; Limb-Girdle Muscular Dystrophy Type 9C. Identifiers: Orphanet 280333, MedGen C4511963, MONDO:0013440, OMIM 613818.
Muscular dystrophy-dystroglycanopathy (congenital with brain and eye anomalies), type A9. Also called: WALKER-WARBURG SYNDROME OR MUSCLE-EYE BRAIN DISEASE, DAG1-RELATED; Muscular dystrophy-dystroglycanopathy (congenital with brain and eye anomalies), type a, 9. Identifiers: Orphanet 370997, Orphanet 899, MedGen C4225291, MONDO:0014683, OMIM 616538.

Allele frequency attached by ClinVar (database versions not stated): TOPMed below 0.00001; ESP Exome Variant Server 0.00008.

Submission:

Labcorp Genetics (formerly Invitae), Labcorp
Classification: Uncertain significance for Autosomal recessive limb-girdle muscular dystrophy type 2P; Muscular dystrophy-dystroglycanopathy (congenital with brain and eye anomalies), type A9. Last evaluated: 2022-03-11. Review status: criteria provided, single submitter. Criteria: Invitae Variant Classification Sherloc (09022015). Collection method: clinical testing. Allele origin: germline.
Comment: This variant is not present in population databases (gnomAD no frequency). This variant has not been reported in the literature in individuals affected with DAG1-related conditions. Variants that disrupt the consensus splice site are a relatively common cause of aberrant splicing (PMID: 17576681, 9536098). Algorithms developed to predict the effect of sequence changes on RNA splicing suggest that this variant may disrupt the consensus splice site. In summary, the available evidence is currently insufficient to determine the role of this variant in disease. Therefore, it has been classified as a Variant of Uncertain Significance. This variant results in the deletion of part of exon 3 (c.286-1_287del) of the DAG1 gene. It affects a nucleotide within the consensus splice site.

Literature cited by the submitters: PubMed 17576681; PubMed 9536098.

NM_004393.6(DAG1):c.286-1_287del

Gene: DAG1 (dystroglycan 1; plus strand). Cytogenetic location: 3p21.31.
Variant type: Deletion.
Coding change: c.286-1_287del on transcript NM_004393.6 (MANE Select); the canonical splice acceptor site of the intron before coding-DNA position 286 through coding-DNA position 287, 3 bases deleted (GGT; older notation c.286-1_287delGGT).
Molecular consequence: splice acceptor variant.
Genome position (GRCh38, 1-based): chr3:49,530,796-49,530,798, GGT deleted. VCF-style (leftmost placement, unchanged base first): chr3-49530795-AGGT-A. GRCh37 (hg19) VCF-style: chr3-49568228-AGGT-A.
Other names: c.286-1_287del (NM_001177643.3, NM_001177644.3, NM_001177634.3 and 9 more transcripts).
Identifiers: ClinVar variation 2076681 (VCV002076681.3), dbSNP rs1553652363, ClinGen allele CA433838861.